The following is an entry in ClinVar:

ClinVar aggregate classification (germline): Benign/Likely benign. Review status: criteria provided, multiple submitters, no conflicts (2 of 4 stars). 11 submissions from 10 submitters: Benign (7); Likely benign (3). 1 of the submissions does not count toward it. Last evaluated 2026-01-26.

Conditions:
Hereditary cancer-predisposing syndrome. Also called: Tumor predisposition; Hereditary neoplastic syndrome; Neoplastic Syndromes, Hereditary; Hereditary Cancer Syndrome. Identifiers: Orphanet 140162, MedGen C0027672, MeSH D009386, MONDO:0015356.
Haddad syndrome (OHD). Also called: Ondine-Hirschsprung disease. Identifiers: Orphanet 99803, MedGen C1859049, MONDO:0020493.
Neuroblastoma, susceptibility to, 2. Identifiers: Orphanet 635, MedGen C2751682, MONDO:0700041, OMIM 613013.
Congenital central hypoventilation. Also called: Congenital Central Hypoventilation Syndrome. Identifiers: Orphanet 661, Orphanet 99803, MedGen C1275808, MONDO:0800031. Disease mechanism: gain of function.

Allele frequency attached by ClinVar (database versions not stated): gnomAD 0.00827 and 0.00758; 1000 Genomes Project 0.00859; ExAC 0.00117; gnomAD exomes 0.00121; TOPMed 0.00773.

Submissions (11):

Labcorp Genetics (formerly Invitae), Labcorp
Classification: Benign for Haddad syndrome. Last evaluated: 2026-01-26. Review status: criteria provided, single submitter. Criteria: Invitae Variant Classification Sherloc (09022015). Collection method: clinical testing. Allele origin: germline.

ARUP Laboratories, Molecular Genetics and Genomics, ARUP Laboratories
Classification: Benign. Last evaluated: 2023-11-29. Review status: criteria provided, single submitter. Criteria: ARUP Molecular Germline Variant Investigation Process 2024. Collection method: clinical testing. Allele origin: germline.

Sema4
Classification: Benign for Hereditary cancer-predisposing syndrome. Last evaluated: 2020-09-01. Review status: criteria provided, single submitter. Criteria: Sema4 Curation Guidelines. Collection method: curation. Allele origin: germline.

GeneDx
Classification: Benign. Last evaluated: 2020-03-26. Review status: criteria provided, single submitter. Criteria: GeneDx Variant Classification Process June 2021. Collection method: clinical testing. Allele origin: germline. Affected: yes.
Comment: This variant is associated with the following publications: (PMID: 19011468, 16691592, 17765533, 16830328, 17637745, 17340630)

Women's Health and Genetics/Laboratory Corporation of America, LabCorp
Classification: Likely benign. Last evaluated: 2019-08-10. Review status: criteria provided, single submitter. Criteria: LabCorp Variant Classification Summary - May 2015. Collection method: clinical testing. Allele origin: germline.

Illumina Laboratory Services, Illumina
Classification: Benign for Central hypoventilation syndrome, congenital, 1, with or without Hirschsprung disease. Last evaluated: 2018-01-13. Review status: criteria provided, single submitter. Criteria: ICSL Variant Classification Criteria 13 December 2019. Collection method: clinical testing. Allele origin: germline.
Comment: This variant was observed in the ICSL laboratory as part of a predisposition screen in an ostensibly healthy population. It had not been previously curated by ICSL or reported in the Human Gene Mutation Database (HGMD: prior to June 1st, 2018), and was therefore a candidate for classification through an automated scoring system. Utilizing variant allele frequency, disease prevalence and penetrance estimates, and inheritance mode, an automated score was calculated to assess if this variant is too frequent to cause the disease. Based on the score and internal cut-off values, a variant classified as benign is not then subjected to further curation. The score for this variant resulted in a classification of benign for this disease.

Illumina Laboratory Services, Illumina
Classification: Benign for Neuroblastoma, susceptibility to, 2. Last evaluated: 2018-01-13. Review status: criteria provided, single submitter. Criteria: ICSL Variant Classification Criteria 13 December 2019. Collection method: clinical testing. Allele origin: germline.
Comment: the same text as in the submission from Illumina Laboratory Services, Illumina above.

Ambry Genetics
Classification: Likely benign for Hereditary cancer-predisposing syndrome. Last evaluated: 2016-11-30. Review status: criteria provided, single submitter. Criteria: Ambry Variant Classification Scheme 2023. Collection method: clinical testing. Allele origin: germline.

Breakthrough Genomics
Classification: Likely benign. Review status: criteria provided, single submitter. Criteria: ACMG Guidelines, 2015. Collection method: not provided. Allele origin: germline. Inheritance: Autosomal dominant inheritance. Affected: yes.

PreventionGenetics, part of Exact Sciences
Classification: Benign. Review status: criteria provided, single submitter. Criteria: ACMG Guidelines, 2015. Collection method: clinical testing. Allele origin: germline.

Genetic Services Laboratory, University of Chicago
Classification: Likely benign. Last evaluated: 2022-10-02. Review status: no assertion criteria provided. Collection method: clinical testing. Allele origin: germline. Affected: no. Not counted in ClinVar's aggregate classification.

NM_003924.4(PHOX2B):c.750G>A (p.Ala250=)

Genes: PHOX2B (paired like homeobox 2B; minus strand), LOC110011216 (paired like homeobox 2b polyalanine repeat instability region; plus strand). Cytogenetic location: 4p13.
Variant type: single nucleotide variant.
Coding change: c.750G>A on transcript NM_003924.4 (MANE Select); coding-DNA position 750, G replaced by A.
Protein change: p.Ala250=; no amino-acid change (alanine 250 retained).
Molecular consequence: synonymous variant.
Genome position (GRCh38, 1-based): chr4:41,746,002, C>T on the plus strand (G>A on the coding strand, the complement: PHOX2B is on the minus strand). VCF-style: chr4-41746002-C-T. GRCh37 (hg19) VCF-style: chr4-41748019-C-T.
Identifiers: ClinVar variation 239592 (VCV000239592.25), dbSNP rs17882335, ClinGen allele CA2901446.